The following is an entry in ClinVar:

NM_133436.3(ASNS):c.[1439C>T];[1648C>T]

Variant type: CompoundHeterozygote.
Identifiers: ClinVar variation 424734 (VCV000424734.2).

ClinVar aggregate classification (germline): Pathogenic (0 of 4 stars; one submission).

Conditions:
Abnormality of neuronal migration. Identifiers: MedGen C1837249, HP:0002269.

Submission:

Génétique et pathophysiologie de maladies neurodéveloppementales et épileptogènes, Institut de génétique et de biologie moléculaire et cellulaire
Classification: Pathogenic for Malformation of Cortical Development. Last evaluated: 2014-10-31. Review status: no assertion criteria provided. Collection method: clinical testing. Allele origin: maternal. Affected: yes. Observed: 4 variant alleles, 2 heterozygotes, 2 compound heterozygotes.